The following is an entry in ClinVar:

NM_001174089.2(SLC4A11):c.1391G>T (p.Ser464Ile)

Gene: SLC4A11 (solute carrier family 4 member 11; minus strand). Cytogenetic location: 20p13.
Variant type: single nucleotide variant.
Coding change: c.1391G>T on transcript NM_001174089.2 (MANE Select); coding-DNA position 1391, G replaced by T.
Protein change: p.Ser464Ile; replaces serine 464 with isoleucine.
Molecular consequence: missense variant. On other transcripts: non-coding transcript variant (3).
Genome position (GRCh38, 1-based): chr20:3,230,539, C>A on the plus strand (G>T on the coding strand, the complement: SLC4A11 is on the minus strand). VCF-style: chr20-3230539-C-A. GRCh37 (hg19) VCF-style: chr20-3211185-C-A.
Other names: c.1520G>T, p.Ser507Ile (NM_001174090.2); c.1277G>T, p.Ser426Ile (NM_001363745.2); c.1334G>T, p.Ser445Ile (NM_001400277.1, NM_001400278.1, NM_001400279.1); c.1406G>T, p.Ser469Ile (NM_001400280.1); c.1439G>T, p.Ser480Ile (NM_032034.4); short protein forms S426I, S445I, S464I, S469I, S480I, S507I.
Identifiers: ClinVar variation 1711857 (VCV001711857.1), dbSNP rs2514550939, ClinGen allele CA408088584.
Genomic context (GRCh38, chr20:3,230,539, plus strand): 5'-TTGAGGGTCCCAGCAGCTCACGGAAGGGCCAGTCACCTCTTGAAGAGACTCATGACCAGG[C>A]TGAGGTTGAAAAAGGCATAAAGCGCAAGGAAGAAACTATTCCACAGGCCCGTCCATGCGT-3'
Protein context (NP_001167560.1, residues 454-474): FLALYAFFNL[Ser464Ile]LVMSLFKRST

ClinVar aggregate classification (germline): Uncertain significance (1 of 4 stars; one submission).

Conditions:
Congenital hereditary endothelial dystrophy of cornea. Also called: Congenital hereditary endothelial dystrophy of the cornea; Maumenee corneal dystrophy; Congenital hereditary endothelial dystrophy type II; CORNEAL DYSTROPHY, CONGENITAL HEREDITARY ENDOTHELIAL; Corneal endothelial dystrophy, autosomal recessive. Identifiers: Orphanet 293603, MedGen C1857569, MONDO:0009019, OMIM 217700.

Submission:

Prof. Brien Holden Eye Research Center, Hyderabad Eye Research Foundation, L V Prasad Eye Institute
Classification: Uncertain significance for Congenital hereditary endothelial dystrophy of cornea. Last evaluated: 2022-08-07. Review status: criteria provided, single submitter. Criteria: ACMG Guidelines, 2015. Collection method: case-control. Allele origin: unknown. Affected: yes.
Comment: Opaque cornea with reduced visual acuity

This change was not observed in the 80 healthy Indian controls.